The following is an entry in ClinVar:

ClinVar aggregate classification (germline): Pathogenic. Review status: criteria provided, multiple submitters, no conflicts (2 of 4 stars). 2 submissions from 2 submitters: Pathogenic (2). Last evaluated 2025-05-20.

Conditions:
Alstrom syndrome (ALMS). Identifiers: Orphanet 64, MedGen C0268425, MONDO:0008763, OMIM 203800.

Allele frequency attached by ClinVar (database versions not stated): gnomAD exomes below 0.00001; ExAC 0.00002.
gnomAD v4.1: 3 of 1,614,036 alleles (0.00019%); highest among the groups gnomAD compares: Non-Finnish European, 0.00025%; no homozygotes.

Submissions (2):

Natera, Inc.
Classification: Pathogenic for Alstrom syndrome. Last evaluated: 2025-05-20. Review status: criteria provided, single submitter. Criteria: Natera Variant Classification Schema (03/2026). Collection method: clinical testing. Allele origin: germline.
Comment: The c.3754C>T variant in ALMS1 is a nonsense variant predicted to introduce a stop codon at amino acid 1252. This variant is expected to result in nonsense mediated decay, truncation, or a dysfunctional protein product. This variant is rare in the general population with a frequency below the threshold expected for the associated phenotype(s). This variant has been observed in one or more individuals affected with the associated recessive disease, as either homozygous or compound heterozygous with a second variant (PMID: 29718281). Given the available evidence, this variant is classified as Pathogenic.

Labcorp Genetics (formerly Invitae), Labcorp
Classification: Pathogenic for Alstrom syndrome. Last evaluated: 2023-01-26. Review status: criteria provided, single submitter. Criteria: Invitae Variant Classification Sherloc (09022015). Collection method: clinical testing. Allele origin: germline.
Comment: For these reasons, this variant has been classified as Pathogenic. This premature translational stop signal has been observed in individual(s) with Alstrom Syndrome (PMID: 25846608). This variant is present in population databases (rs778724795, gnomAD 0.0009%). This sequence change creates a premature translational stop signal (p.Gln1252*) in the ALMS1 gene. It is expected to result in an absent or disrupted protein product. Loss-of-function variants in ALMS1 are known to be pathogenic (PMID: 17594715).

Literature cited by the submitters: PubMed 29718281 (cited by Natera, Inc.); PubMed 25846608 (cited by Labcorp Genetics (formerly Invitae), Labcorp); PubMed 17594715 (cited by Labcorp Genetics (formerly Invitae), Labcorp).

NM_001378454.1(ALMS1):c.3751C>T (p.Gln1251Ter)

Gene: ALMS1 (ALMS1 centrosome and basal body associated protein; plus strand). Cytogenetic location: 2p13.1.
Variant type: single nucleotide variant.
Coding change: c.3751C>T on transcript NM_001378454.1 (MANE Select); coding-DNA position 3751, C replaced by T.
Protein change: p.Gln1251Ter; replaces glutamine 1251 with a stop codon.
Molecular consequence: nonsense.
Genome position (GRCh38, 1-based): chr2:73,450,278, C>T. VCF-style: chr2-73450278-C-T. GRCh37 (hg19) VCF-style: chr2-73677405-C-T.
Other names: c.3754C>T, p.Gln1252Ter (NM_015120.4); short protein forms Q1252*, Q1251*.
Identifiers: ClinVar variation 2734225 (VCV002734225.5), dbSNP rs778724795, ClinGen allele CA1713585.